The following is an entry in ClinVar:

NM_000505.4(F12):c.1553T>C (p.Phe518Ser)

Gene: F12 (coagulation factor XII; minus strand). Cytogenetic location: 5q35.3.
Variant type: single nucleotide variant.
Coding change: c.1553T>C on transcript NM_000505.4 (MANE Select); coding-DNA position 1553, T replaced by C.
Protein change: p.Phe518Ser; replaces phenylalanine 518 with serine.
Molecular consequence: missense variant.
Genome position (GRCh38, 1-based): chr5:177,402,677, A>G on the plus strand (T>C on the coding strand, the complement: F12 is on the minus strand). VCF-style: chr5-177402677-A-G. GRCh37 (hg19) VCF-style: chr5-176829678-A-G.
Other names: short protein forms F518S.
Identifiers: ClinVar variation 3091401 (VCV003091401.3), dbSNP rs752701059, ClinGen allele CA3581132.
Genomic context (GRCh38, chr5:177,402,677, plus strand): 5'-TGCACGTCCGGGGCTGAGCAGCGCTCCAGGGAGAGGAACGGTACCTGCGCCTCCTGCAGG[A>G]AGCTGGCATATTCCTCCGCCCCTGCGAACACAGAGCGCCTTCTTCACACCCCATCTGACA-3'
Protein context (NP_000496.2, residues 508-528): QFEGAEEYAS[Phe518Ser]LQEAQVPFLS

ClinVar aggregate classification (germline): Uncertain significance. Review status: criteria provided, multiple submitters, no conflicts (2 of 4 stars). 2 submissions from 2 submitters: Uncertain significance (2). Last evaluated 2024-12-31.

Conditions:
Inborn genetic diseases. Identifiers: MedGen C0950123, MeSH D030342.

Allele frequency attached by ClinVar (database versions not stated): ExAC 0.00001; gnomAD 0.00004; TOPMed 0.00004.
gnomAD v4.1: 52 of 1,611,996 alleles (0.0032%); highest among the groups gnomAD compares: Non-Finnish European, 0.0042%; no homozygotes.

Submissions (2):

Labcorp Genetics (formerly Invitae), Labcorp
Classification: Uncertain significance. Last evaluated: 2024-12-31. Review status: criteria provided, single submitter. Criteria: Invitae Variant Classification Sherloc (09022015). Collection method: clinical testing. Allele origin: germline.
Comment: This sequence change replaces phenylalanine, which is neutral and non-polar, with serine, which is neutral and polar, at codon 518 of the F12 protein (p.Phe518Ser). This variant is present in population databases (rs752701059, gnomAD 0.004%). This variant has not been reported in the literature in individuals affected with F12-related conditions. ClinVar contains an entry for this variant (Variation ID: 3091401). Invitae Evidence Modeling of protein sequence and biophysical properties (such as structural, functional, and spatial information, amino acid conservation, physicochemical variation, residue mobility, and thermodynamic stability) indicates that this missense variant is not expected to disrupt F12 protein function with a negative predictive value of 80%. In summary, the available evidence is currently insufficient to determine the role of this variant in disease. Therefore, it has been classified as a Variant of Uncertain Significance.

Ambry Genetics
Classification: Uncertain significance for Inborn genetic diseases. Last evaluated: 2024-01-23. Review status: criteria provided, single submitter. Criteria: Ambry Variant Classification Scheme 2023. Collection method: clinical testing. Allele origin: germline.